The following is an entry in ClinVar:

NC_000010.10:g.(?_73544034)_(73556987_?)del

Gene: CDH23 (cadherin related 23; plus strand). Cytogenetic location: 10q22.1.
Variant type: Deletion.
Identifiers: ClinVar variation 1067877 (VCV001067877.8).

ClinVar aggregate classification (germline): Pathogenic (1 of 4 stars; one submission).

Submission:

Labcorp Genetics (formerly Invitae), Labcorp
Classification: Pathogenic. Last evaluated: 2022-02-03. Review status: criteria provided, single submitter. Criteria: Invitae Variant Classification Sherloc (09022015). Collection method: clinical testing. Allele origin: germline.
Comment: This variant is a gross deletion of the genomic region encompassing exon(s) 42-49 of the CDH23 gene. This variant would be expected to be in-frame, preserving the integrity of the reading frame. For these reasons, this variant has been classified as Pathogenic. This variant disrupts a region of the CDH23 protein in which other variant(s) (p.Phe1888Ser) have been determined to be pathogenic (PMID: 15829536). This suggests that this is a clinically significant region of the protein, and that variants that disrupt it are likely to be disease-causing. This variant has not been reported in the literature in individuals affected with CDH23-related conditions.

Literature cited by the submitters: PubMed 15829536.